The following is an entry in ClinVar:

NM_000133.4(F9):c.1130T>C (p.Val377Ala)

Gene: F9 (coagulation factor IX; plus strand). Cytogenetic location: Xq27.1.
Variant type: single nucleotide variant.
Coding change: c.1130T>C on transcript NM_000133.4 (MANE Select); coding-DNA position 1130, T replaced by C.
Protein change: p.Val377Ala; replaces valine 377 with alanine.
Molecular consequence: missense variant.
Genome position (GRCh38, 1-based): chrX:139,561,815, T>C. VCF-style: chrX-139561815-T-C. GRCh37 (hg19) VCF-style: chrX-138643974-T-C.
Other names: c.1016T>C, p.Val339Ala (NM_001313913.2); short protein forms V339A, V377A.
Identifiers: ClinVar variation 4817506 (VCV004817506.1).

ClinVar aggregate classification (germline): Likely pathogenic (1 of 4 stars; one submission).

Conditions:
Hereditary factor IX deficiency disease (HEMB). Also called: F9 DEFICIENCY; FACTOR IX DEFICIENCY; PLASMA THROMBOPLASTIN COMPONENT DEFICIENCY; Hemophilia B; Christmas Disease. Identifiers: Orphanet 98879, MedGen C0008533, MeSH D002836, MONDO:0010604, OMIM 306900.

Submission:

Natera, Inc.
Classification: Likely pathogenic for Hemophilia B. Last evaluated: 2024-12-26. Review status: criteria provided, single submitter. Criteria: Natera Variant Classification Schema (03/2026). Collection method: clinical testing. Allele origin: germline.
Comment: The c.1130T>C variant in F9 is a missense variant predicted to cause substitution of valine to alanine at amino acid 377. This variant is rare in the general population with a frequency below the threshold expected for the associated phenotype(s). This variant has been observed in affected individual(s) with monoallelic occurrence (heterozygous/hemizygous) (PMID: 8091381). This variant has been identified in one or more affected individual with a phenotype highly consistent with the associated gene (PMID: 8091381). Functional studies show that this variant may disrupt protein function (PMID: 10373456). Computational prediction algorithms indicate this variant is likely to affect gene or protein function. Given the available evidence, this variant is classified as Likely Pathogenic.

Literature cited by the submitters: PubMed 8091381; PubMed 10373456.